The following is an entry in ClinVar:

ClinVar aggregate classification (germline): Uncertain significance (1 of 4 stars; one submission).

Allele frequency attached by ClinVar (database versions not stated): ESP Exome Variant Server 0.00015.
gnomAD v4.1: 47 of 1,607,372 alleles (0.0029%); highest among the groups gnomAD compares: East Asian, 0.0067%; no homozygotes.

Submission:

Labcorp Genetics (formerly Invitae), Labcorp
Classification: Uncertain significance. Last evaluated: 2023-01-23. Review status: criteria provided, single submitter. Criteria: Invitae Variant Classification Sherloc (09022015). Collection method: clinical testing. Allele origin: germline.
Comment: In summary, the available evidence is currently insufficient to determine the role of this variant in disease. Therefore, it has been classified as a Variant of Uncertain Significance. Algorithms developed to predict the effect of missense changes on protein structure and function output the following: SIFT: "Tolerated"; PolyPhen-2: "Benign"; Align-GVGD: "Class C0". The threonine amino acid residue is found in multiple mammalian species, which suggests that this missense change does not adversely affect protein function. This variant has not been reported in the literature in individuals affected with HMCN1-related conditions. This variant is present in population databases (rs367723447, gnomAD 0.005%). This sequence change replaces alanine, which is neutral and non-polar, with threonine, which is neutral and polar, at codon 4648 of the HMCN1 protein (p.Ala4648Thr).

NM_031935.3(HMCN1):c.13942G>A (p.Ala4648Thr)

Gene: HMCN1 (hemicentin 1; plus strand). Cytogenetic location: 1q31.1.
Variant type: single nucleotide variant.
Coding change: c.13942G>A on transcript NM_031935.3 (MANE Select); coding-DNA position 13942, G replaced by A.
Protein change: p.Ala4648Thr; replaces alanine 4648 with threonine.
Molecular consequence: missense variant.
Genome position (GRCh38, 1-based): chr1:186,144,190, G>A. VCF-style: chr1-186144190-G-A. GRCh37 (hg19) VCF-style: chr1-186113322-G-A.
Other names: short protein forms A4648T.
Identifiers: ClinVar variation 2991419 (VCV002991419.3), dbSNP rs367723447, ClinGen allele CA1294823.